The following is an entry in ClinVar:

NM_000090.4(COL3A1):c.443C>T (p.Pro148Leu)

Gene: COL3A1 (collagen type III alpha 1 chain; plus strand). Cytogenetic location: 2q32.2.
Variant type: single nucleotide variant.
Coding change: c.443C>T on transcript NM_000090.4 (MANE Select); coding-DNA position 443, C replaced by T.
Protein change: p.Pro148Leu; replaces proline 148 with leucine.
Molecular consequence: missense variant.
Genome position (GRCh38, 1-based): chr2:188,985,774, C>T. VCF-style: chr2-188985774-C-T. GRCh37 (hg19) VCF-style: chr2-189850500-C-T.
Other names: short protein forms P148L.
Identifiers: ClinVar variation 2697009 (VCV002697009.3), dbSNP rs2469108509, ClinGen allele CA349848005.

ClinVar aggregate classification (germline): Uncertain significance (1 of 4 stars; one submission).

Conditions:
Ehlers-Danlos syndrome, type 4 (EDSVASC). Also called: Ehlers-Danlos Syndrome Type IV; Ehlers-Danlos syndrome vascular type; Ehlers Danlos syndrome, ecchymotic type; Ehlers Danlos syndrome, arterial type; Ehlers Danlos syndrome, Sack-Barabas type. Identifiers: Orphanet 286, MedGen C0268338, MONDO:0017314, OMIM 130050.

Submission:

Labcorp Genetics (formerly Invitae), Labcorp
Classification: Uncertain significance for Ehlers-Danlos syndrome, type 4. Last evaluated: 2023-11-18. Review status: criteria provided, single submitter. Criteria: Invitae Variant Classification Sherloc (09022015). Collection method: clinical testing. Allele origin: germline.
Comment: This sequence change replaces proline, which is neutral and non-polar, with leucine, which is neutral and non-polar, at codon 148 of the COL3A1 protein (p.Pro148Leu). This variant is not present in population databases (gnomAD no frequency). This variant has not been reported in the literature in individuals affected with COL3A1-related conditions. Advanced modeling of protein sequence and biophysical properties (such as structural, functional, and spatial information, amino acid conservation, physicochemical variation, residue mobility, and thermodynamic stability) performed at Invitae indicates that this missense variant is not expected to disrupt COL3A1 protein function with a negative predictive value of 95%. In summary, the available evidence is currently insufficient to determine the role of this variant in disease. Therefore, it has been classified as a Variant of Uncertain Significance.